The following is an entry in ClinVar:

NM_152564.5(VPS13B):c.11947A>G (p.Lys3983Glu)

Gene: VPS13B (vacuolar protein sorting 13 homolog B; plus strand). Cytogenetic location: 8q22.2.
Variant type: single nucleotide variant.
Coding change: c.11947A>G on transcript NM_152564.5 (MANE Select); coding-DNA position 11947, A replaced by G.
Protein change: p.Lys3983Glu; replaces lysine 3983 with glutamic acid.
Molecular consequence: missense variant.
Genome position (GRCh38, 1-based): chr8:99,875,619, A>G. VCF-style: chr8-99875619-A-G. GRCh37 (hg19) VCF-style: chr8-100887847-A-G.
Other names: c.12022A>G (NM_017890.3); c.12022A>G, p.Lys4008Glu (NM_017890.5); short protein forms K4008E, K3983E.
Identifiers: ClinVar variation 2144186 (VCV002144186.4), dbSNP rs1168148534, ClinGen allele CA371796142.

ClinVar aggregate classification (germline): Uncertain significance. Review status: criteria provided, multiple submitters, no conflicts (2 of 4 stars). 3 submissions from 3 submitters: Uncertain significance (3). Last evaluated 2024-12-09.

Conditions:
VPS13B-related disorder. Also called: VPS13B-related condition.
Cohen syndrome (COH1). Also called: PEPPER SYNDROME; Cutis verticis gyrata, retinitis pigmentosa, and sensorineural deafness. Identifiers: Orphanet 193, MedGen C0265223, MONDO:0008999, OMIM 216550.

Allele frequency attached by ClinVar (database versions not stated): gnomAD exomes below 0.00001; gnomAD 0.00001; TOPMed 0.00003.
gnomAD v4.1: 9 of 1,614,060 alleles (0.00056%); highest among the groups gnomAD compares: Admixed American, 0.0017%; no homozygotes.

Submissions (3):

GeneDx
Classification: Uncertain significance. Last evaluated: 2024-12-09. Review status: criteria provided, single submitter. Criteria: GeneDx Variant Classification Process June 2021. Collection method: clinical testing. Allele origin: germline. Affected: yes.
Comment: Not observed at significant frequency in large population cohorts (gnomAD); In silico analysis indicates that this missense variant does not alter protein structure/function; Has not been previously published as pathogenic or benign to our knowledge

PreventionGenetics, part of Exact Sciences
Classification: Uncertain significance for VPS13B-related condition. Last evaluated: 2024-11-28. Review status: criteria provided, single submitter. Criteria: ACMG Guidelines, 2015. Collection method: clinical testing. Allele origin: germline.
Comment: The VPS13B c.11947A>G variant is predicted to result in the amino acid substitution p.Lys3983Glu. To our knowledge, this variant has not been reported in the literature. This variant is reported in 0.0% of alleles in individuals of African descent in gnomAD. At this time, the clinical significance of this variant is uncertain due to the absence of conclusive functional and genetic evidence.

Labcorp Genetics (formerly Invitae), Labcorp
Classification: Uncertain significance for Cohen syndrome. Last evaluated: 2022-06-26. Review status: criteria provided, single submitter. Criteria: Invitae Variant Classification Sherloc (09022015). Collection method: clinical testing. Allele origin: germline.
Comment: This sequence change replaces lysine, which is basic and polar, with glutamic acid, which is acidic and polar, at codon 4008 of the VPS13B protein (p.Lys4008Glu). This variant is present in population databases (no rsID available, gnomAD no frequency). This variant has not been reported in the literature in individuals affected with VPS13B-related conditions. Algorithms developed to predict the effect of missense changes on protein structure and function are either unavailable or do not agree on the potential impact of this missense change (SIFT: "Not Available"; PolyPhen-2: "Benign"; Align-GVGD: "Not Available"). In summary, the available evidence is currently insufficient to determine the role of this variant in disease. Therefore, it has been classified as a Variant of Uncertain Significance.